The following is an entry in ClinVar:

ClinVar aggregate classification (germline): Uncertain significance (1 of 4 stars; one submission).

Conditions:
Rhabdoid tumor predisposition syndrome 2 (RTPS2). Identifiers: Orphanet 231108, Orphanet 69077, MedGen C2750074, MONDO:0013224, OMIM 613325.

Submission:

Labcorp Genetics (formerly Invitae), Labcorp
Classification: Uncertain significance for Rhabdoid tumor predisposition syndrome 2. Last evaluated: 2019-11-11. Review status: criteria provided, single submitter. Criteria: Invitae Variant Classification Sherloc (09022015). Collection method: clinical testing. Allele origin: germline.
Comment: This sequence change replaces valine with glycine at codon 268 of the SMARCA4 protein (p.Val268Gly). The valine residue is moderately conserved and there is a moderate physicochemical difference between valine and glycine. This variant is not present in population databases (ExAC no frequency). This variant has not been reported in the literature in individuals with SMARCA4-related conditions. Algorithms developed to predict the effect of missense changes on protein structure and function are either unavailable or do not agree on the potential impact of this missense change (SIFT: "Deleterious"; PolyPhen-2: "Benign"; Align-GVGD: "Class C0"). In summary, the available evidence is currently insufficient to determine the role of this variant in disease. Therefore, it has been classified as a Variant of Uncertain Significance.

NM_003072.5(SMARCA4):c.803T>G (p.Val268Gly)

Gene: SMARCA4 (SWI/SNF related BAF chromatin remodeling complex subunit ATPase 4; plus strand). Cytogenetic location: 19p13.2.
Variant type: single nucleotide variant.
Coding change: c.803T>G on transcript NM_003072.5 (MANE Select); coding-DNA position 803, T replaced by G.
Protein change: p.Val268Gly; replaces valine 268 with glycine.
Molecular consequence: missense variant. On other transcripts: non-coding transcript variant (1).
Genome position (GRCh38, 1-based): chr19:10,986,947, T>G. VCF-style: chr19-10986947-T-G. GRCh37 (hg19) VCF-style: chr19-11097623-T-G.
Other names: c.803T>G, p.Val268Gly (NM_001128844.3, NM_001128845.2, NM_001128846.2 and 4 more transcripts); short protein forms V268G.
Identifiers: ClinVar variation 970750 (VCV000970750.1), dbSNP rs1568424854, ClinGen allele CA404057983.